The following is an entry in ClinVar:

NM_001100913.3(PACS2):c.29CCGGCGCGC[1] (p.10PGA[1])

Genes: BRF1 (BRF1 general transcription factor IIIB subunit; minus strand), PACS2 (phosphofurin acidic cluster sorting protein 2; plus strand). Cytogenetic location: 14q32.33.
Variant type: Microsatellite.
Coding change: c.29CCGGCGCGC[1] on transcript NM_001100913.3 (MANE Select); one copy of the 9-base unit CCGGCGCGC starting at c.29; the reference has two copies in a row; one copy, 9 bases deleted.
Protein change: p.10PGA[1].
Molecular consequence: inframe deletion. On other transcripts: intron variant (4).
Genome position (GRCh38, 1-based): chr14:105,314,956-105,314,964, CCGGCGCGC deleted; deleting any 9 consecutive bases within chr14:105,314,946-105,314,964 gives the same sequence; the position shown is the placement nearest the transcript's 3' end. VCF-style (leftmost placement, unchanged base first): chr14-105314945-CCCCGGCGCG-C. GRCh37 (hg19) VCF-style: chr14-105781282-CCCCGGCGCG-C.
Other names: c.29CCGGCGCGC[1], p.10PGA[1] (NM_015197.4); c.-162+368_-162+376del (NM_001440451.1, NM_001242787.2, NM_001242786.2); c.-83+13977_-83+13985del (NM_001243127.3).
Identifiers: ClinVar variation 2770810 (VCV002770810.3), dbSNP rs1299796427, ClinGen allele CA2575644067.

ClinVar aggregate classification (germline): Uncertain significance (1 of 4 stars; one submission).

Submission:

Labcorp Genetics (formerly Invitae), Labcorp
Classification: Uncertain significance. Last evaluated: 2024-10-08. Review status: criteria provided, single submitter. Criteria: Invitae Variant Classification Sherloc (09022015). Collection method: clinical testing. Allele origin: germline.
Comment: This variant, c.38_46del, results in the deletion of 3 amino acid(s) of the PACS2 protein (p.Pro13_Ala15del), but otherwise preserves the integrity of the reading frame. This variant is not present in population databases (gnomAD no frequency). This variant has not been reported in the literature in individuals affected with PACS2-related conditions. Experimental studies and prediction algorithms are not available or were not evaluated, and the functional significance of this variant is currently unknown. In summary, the available evidence is currently insufficient to determine the role of this variant in disease. Therefore, it has been classified as a Variant of Uncertain Significance.